The following is an entry in ClinVar:

NM_001846.4(COL4A2):c.1162C>T (p.Pro388Ser)

Gene: COL4A2 (collagen type IV alpha 2 chain; plus strand). Cytogenetic location: 13q34.
Variant type: single nucleotide variant.
Coding change: c.1162C>T on transcript NM_001846.4 (MANE Select); coding-DNA position 1162, C replaced by T.
Protein change: p.Pro388Ser; replaces proline 388 with serine.
Molecular consequence: missense variant.
Genome position (GRCh38, 1-based): chr13:110,449,762, C>T. VCF-style: chr13-110449762-C-T. GRCh37 (hg19) VCF-style: chr13-111102109-C-T.
Other names: short protein forms P388S.
Identifiers: ClinVar variation 2957221 (VCV002957221.3), dbSNP rs933951989, ClinGen allele CA256300980.
Genomic context (GRCh38, chr13:110,449,762, plus strand): 5'-CCAGGGGCCCAAGGGGAGCCAGGAAGCCAGGGTGAGCCAGGAGACCCGGGCCTCCCAGGT[C>T]CCCCTGGCCTCTCCATCGGAGATGGAGGTAATGTGGCTTCATAATATCAACACCGGAGAC-3'
Protein context (NP_001837.2, residues 378-398): GEPGDPGLPG[Pro388Ser]PGLSIGDGDQ

ClinVar aggregate classification (germline): Uncertain significance (1 of 4 stars; one submission).

Allele frequency attached by ClinVar (database versions not stated): TOPMed 0.00002; gnomAD 0.00001.

Submission:

Labcorp Genetics (formerly Invitae), Labcorp
Classification: Uncertain significance. Last evaluated: 2025-11-10. Review status: criteria provided, single submitter. Criteria: Invitae Variant Classification Sherloc (09022015). Collection method: clinical testing. Allele origin: germline.
Comment: This sequence change replaces proline, which is neutral and non-polar, with serine, which is neutral and polar, at codon 388 of the COL4A2 protein (p.Pro388Ser). This variant is not present in population databases (gnomAD no frequency). This variant has not been reported in the literature in individuals affected with COL4A2-related conditions. ClinVar contains an entry for this variant (Variation ID: 2957221). Invitae Evidence Modeling of protein sequence and biophysical properties (such as structural, functional, and spatial information, amino acid conservation, physicochemical variation, residue mobility, and thermodynamic stability) indicates that this missense variant is not expected to disrupt COL4A2 protein function with a negative predictive value of 95%. In summary, the available evidence is currently insufficient to determine the role of this variant in disease. Therefore, it has been classified as a Variant of Uncertain Significance.